The following is an entry in ClinVar:

NM_002187.3(IL12B):c.713C>T (p.Pro238Leu)

Gene: IL12B (interleukin 12B; minus strand). Cytogenetic location: 5q33.3.
Variant type: single nucleotide variant.
Coding change: c.713C>T on transcript NM_002187.3 (MANE Select); coding-DNA position 713, C replaced by T.
Protein change: p.Pro238Leu; replaces proline 238 with leucine.
Molecular consequence: missense variant.
Genome position (GRCh38, 1-based): chr5:159,318,878, G>A on the plus strand (C>T on the coding strand, the complement: IL12B is on the minus strand). VCF-style: chr5-159318878-G-A. GRCh37 (hg19) VCF-style: chr5-158745886-G-A.
Other names: short protein forms P238L.
Identifiers: ClinVar variation 2113813 (VCV002113813.4), dbSNP rs1405873943, ClinGen allele CA362031607.

ClinVar aggregate classification (germline): Uncertain significance (1 of 4 stars; one submission).

Conditions:
Mendelian susceptibility to mycobacterial diseases due to complete IL12B deficiency. Also called: IL12B DEFICIENCY; Immunodeficiency 29. Identifiers: Orphanet 319558, MedGen C4013948, MONDO:0013954, OMIM 614890.

Allele frequency attached by ClinVar (database versions not stated): gnomAD 0.00001.

Submission:

Labcorp Genetics (formerly Invitae), Labcorp
Classification: Uncertain significance for Mendelian susceptibility to mycobacterial diseases due to complete IL12B deficiency. Last evaluated: 2022-03-18. Review status: criteria provided, single submitter. Criteria: Invitae Variant Classification Sherloc (09022015). Collection method: clinical testing. Allele origin: germline.
Comment: In summary, the available evidence is currently insufficient to determine the role of this variant in disease. Therefore, it has been classified as a Variant of Uncertain Significance. Algorithms developed to predict the effect of missense changes on protein structure and function are either unavailable or do not agree on the potential impact of this missense change (SIFT: "Tolerated"; PolyPhen-2: "Probably Damaging"; Align-GVGD: "Class C0"). This variant has not been reported in the literature in individuals affected with IL12B-related conditions. This variant is not present in population databases (gnomAD no frequency). This sequence change replaces proline, which is neutral and non-polar, with leucine, which is neutral and non-polar, at codon 238 of the IL12B protein (p.Pro238Leu).